The following is an entry in ClinVar:

NM_198578.4(LRRK2):c.352del (p.Ile118fs)

Gene: LRRK2 (leucine rich repeat kinase 2; plus strand). Cytogenetic location: 12q12.
Variant type: Deletion.
Coding change: c.352del on transcript NM_198578.4 (MANE Select); coding-DNA position 352, one base deleted (A; older notation c.352delA).
Protein change: p.Ile118fs; shifts the reading frame from isoleucine 118.
Molecular consequence: frameshift variant.
Genome position (GRCh38, 1-based): chr12:40,235,630, A deleted. VCF-style (leftmost placement, unchanged base first): chr12-40235629-GA-G. GRCh37 (hg19) VCF-style: chr12-40629431-GA-G.
Other names: short protein forms I118fs.
Identifiers: ClinVar variation 2430901 (VCV002430901.1), dbSNP rs1356133300, ClinGen allele CA479235565.

ClinVar aggregate classification (germline): Uncertain significance (1 of 4 stars; one submission).

Allele frequency attached by ClinVar (database versions not stated): gnomAD exomes below 0.00001; gnomAD 0.00001; TOPMed 0.00002; ESP Exome Variant Server 0.00008.

Submission:

GeneDx
Classification: Uncertain significance. Last evaluated: 2022-08-25. Review status: criteria provided, single submitter. Criteria: GeneDx Variant Classification Process June 2021. Collection method: clinical testing. Allele origin: germline. Affected: yes.
Comment: Frameshift variant predicted to result in protein truncation or nonsense mediated decay in a gene or region of a gene for which loss of function is not a well-established mechanism of disease; Not observed at significant frequency in large population cohorts (gnomAD); Has not been previously published as pathogenic or benign to our knowledge